The following is an entry in ClinVar:

ClinVar aggregate classification (germline): Uncertain significance. Review status: criteria provided, multiple submitters, no conflicts (2 of 4 stars). 2 submissions from 2 submitters: Uncertain significance (2). Last evaluated 2025-01-15.

Conditions:
Inborn genetic diseases. Identifiers: MedGen C0950123, MeSH D030342.
Short-rib thoracic dysplasia 11 with or without polydactyly (SRTD11). Also called: SHORT-RIB THORACIC DYSPLASIA 11 WITHOUT POLYDACTYLY. Identifiers: Orphanet 474, Orphanet 93271, MedGen C3810200, MONDO:0014287, OMIM 615633.

Allele frequency attached by ClinVar (database versions not stated): gnomAD exomes below 0.00001; TOPMed below 0.00001.
gnomAD v4.1: 3 of 1,613,368 alleles (0.00019%); highest among the groups gnomAD compares: Non-Finnish European, 0.00017%; no homozygotes.

Submissions (2):

Ambry Genetics
Classification: Uncertain significance for Inborn genetic diseases. Last evaluated: 2025-01-15. Review status: criteria provided, single submitter. Criteria: Ambry Variant Classification Scheme 2023. Collection method: clinical testing. Allele origin: germline.

Labcorp Genetics (formerly Invitae), Labcorp
Classification: Uncertain significance for Short-rib thoracic dysplasia 11 with or without polydactyly. Last evaluated: 2022-10-04. Review status: criteria provided, single submitter. Criteria: Invitae Variant Classification Sherloc (09022015). Collection method: clinical testing. Allele origin: germline.
Comment: In summary, the available evidence is currently insufficient to determine the role of this variant in disease. Therefore, it has been classified as a Variant of Uncertain Significance. Algorithms developed to predict the effect of missense changes on protein structure and function (SIFT, PolyPhen-2, Align-GVGD) all suggest that this variant is likely to be disruptive. This variant has not been reported in the literature in individuals affected with WDR34-related conditions. This variant is present in population databases (no rsID available, gnomAD 0.0009%). This sequence change replaces tyrosine, which is neutral and polar, with cysteine, which is neutral and slightly polar, at codon 486 of the WDR34 protein (p.Tyr486Cys).

NM_052844.4(DYNC2I2):c.1457A>G (p.Tyr486Cys)

Gene: DYNC2I2 (dynein 2 intermediate chain 2; minus strand). Cytogenetic location: 9q34.11.
Variant type: single nucleotide variant.
Coding change: c.1457A>G on transcript NM_052844.4 (MANE Select); coding-DNA position 1457, A replaced by G.
Protein change: p.Tyr486Cys; replaces tyrosine 486 with cysteine.
Molecular consequence: missense variant.
Genome position (GRCh38, 1-based): chr9:128,633,898, T>C on the plus strand (A>G on the coding strand, the complement: DYNC2I2 is on the minus strand). VCF-style: chr9-128633898-T-C. GRCh37 (hg19) VCF-style: chr9-131396177-T-C.
Other names: c.1457A>G (NM_052844.3); short protein forms Y486C.
Identifiers: ClinVar variation 2077684 (VCV002077684.5), dbSNP rs1564336534, ClinGen allele CA375107270.